The following is an entry in ClinVar:

NM_016169.4(SUFU):c.1198A>G (p.Ile400Val)

Gene: SUFU (SUFU negative regulator of hedgehog signaling; plus strand). Cytogenetic location: 10q24.32.
Variant type: single nucleotide variant.
Coding change: c.1198A>G on transcript NM_016169.4 (MANE Select); coding-DNA position 1198, A replaced by G.
Protein change: p.Ile400Val; replaces isoleucine 400 with valine.
Molecular consequence: missense variant.
Genome position (GRCh38, 1-based): chr10:102,617,330, A>G. VCF-style: chr10-102617330-A-G. GRCh37 (hg19) VCF-style: chr10-104377087-A-G.
Other names: c.1198A>G, p.Ile400Val (NM_001178133.2); short protein forms I400V.
Identifiers: ClinVar variation 3751000 (VCV003751000.2).

ClinVar aggregate classification (germline): Uncertain significance (1 of 4 stars; one submission).

Conditions:
Medulloblastoma (MDB). Also called: MEDULLOBLASTOMA PREDISPOSITION SYNDROME; Medulloblastoma, somatic. Identifiers: Orphanet 616, MedGen C0025149, MeSH D008527, MONDO:0007959, OMIM 155255, HP:0002885.
Gorlin syndrome. Also called: Nevoid Basal Cell Carcinoma Syndrome; Basal cell nevus syndrome. Identifiers: Orphanet 377, MedGen C0004779, MONDO:0007187.

Submission:

Labcorp Genetics (formerly Invitae), Labcorp
Classification: Uncertain significance for Gorlin syndrome; Medulloblastoma. Last evaluated: 2024-06-10. Review status: criteria provided, single submitter. Criteria: Invitae Variant Classification Sherloc (09022015). Collection method: clinical testing. Allele origin: germline.
Comment: This sequence change replaces isoleucine, which is neutral and non-polar, with valine, which is neutral and non-polar, at codon 400 of the SUFU protein (p.Ile400Val). This variant is not present in population databases (gnomAD no frequency). This variant has not been reported in the literature in individuals affected with SUFU-related conditions. Advanced modeling of protein sequence and biophysical properties (such as structural, functional, and spatial information, amino acid conservation, physicochemical variation, residue mobility, and thermodynamic stability) performed at Invitae indicates that this missense variant is not expected to disrupt SUFU protein function with a negative predictive value of 80%. In summary, the available evidence is currently insufficient to determine the role of this variant in disease. Therefore, it has been classified as a Variant of Uncertain Significance.